The following is an entry in ClinVar:

NM_000277.3(PAH):c.148A>G (p.Lys50Glu)

Gene: PAH (phenylalanine hydroxylase; minus strand). Cytogenetic location: 12q23.2.
Variant type: single nucleotide variant.
Coding change: c.148A>G on transcript NM_000277.3 (MANE Select); coding-DNA position 148, A replaced by G.
Protein change: p.Lys50Glu; replaces lysine 50 with glutamic acid.
Molecular consequence: missense variant.
Genome position (GRCh38, 1-based): chr12:102,912,811, T>C on the plus strand (A>G on the coding strand, the complement: PAH is on the minus strand). VCF-style: chr12-102912811-T-C. GRCh37 (hg19) VCF-style: chr12-103306589-T-C.
Other names: c.148A>G, p.Lys50Glu (NM_001354304.2); short protein forms K50E.
Identifiers: ClinVar variation 1719791 (VCV001719791.5), dbSNP rs776829633, ClinGen allele CA6749041.

ClinVar aggregate classification (germline): Uncertain significance (1 of 4 stars; one submission).

Conditions:
Phenylketonuria (PKU). Also called: Phenylketonurias; FOLLING DISEASE; Phenylketonuria (PKU); OLIGOPHRENIA PHENYLPYRUVICA. Identifiers: Orphanet 716, MedGen C0031485, MONDO:0009861, OMIM 261600. Disease mechanism: loss of function.

Allele frequency attached by ClinVar (database versions not stated): gnomAD exomes below 0.00001; ExAC 0.00001.
gnomAD v4.1: 1 of 1,612,722 alleles (0.000062%); highest among the groups gnomAD compares: Non-Finnish European, 0.000085%; no homozygotes.

Submission:

Labcorp Genetics (formerly Invitae), Labcorp
Classification: Uncertain significance for Phenylketonuria. Last evaluated: 2023-01-10. Review status: criteria provided, single submitter. Criteria: Invitae Variant Classification Sherloc (09022015). Collection method: clinical testing. Allele origin: germline.
Comment: In summary, the available evidence is currently insufficient to determine the role of this variant in disease. Therefore, it has been classified as a Variant of Uncertain Significance. This sequence change replaces lysine, which is basic and polar, with glutamic acid, which is acidic and polar, at codon 50 of the PAH protein (p.Lys50Glu). Advanced modeling of protein sequence and biophysical properties (such as structural, functional, and spatial information, amino acid conservation, physicochemical variation, residue mobility, and thermodynamic stability) performed at Invitae indicates that this missense variant is not expected to disrupt PAH protein function. ClinVar contains an entry for this variant (Variation ID: 1719791). This missense change has been observed in individual(s) with a positive newborn screening result for PAH-related disease (Invitae). This variant is present in population databases (rs776829633, gnomAD 0.0009%).